The following is an entry in ClinVar:

ClinVar aggregate classification (germline): Uncertain significance. Review status: criteria provided, multiple submitters, no conflicts (2 of 4 stars). 3 submissions from 3 submitters: Uncertain significance (3). Last evaluated 2024-12-18.

Conditions:
Adams-Oliver syndrome 5 (AOS5). Identifiers: Orphanet 974, MedGen C4014970, MONDO:0014459, OMIM 616028.

gnomAD v4.1: 4 of 1,554,422 alleles (0.00026%); highest among the groups gnomAD compares: Non-Finnish European, 0.00026%; no homozygotes.

Submissions (3):

Labcorp Genetics (formerly Invitae), Labcorp
Classification: Uncertain significance for Adams-Oliver syndrome 5. Last evaluated: 2024-12-18. Review status: criteria provided, single submitter. Criteria: Invitae Variant Classification Sherloc (09022015). Collection method: clinical testing. Allele origin: germline.
Comment: This sequence change replaces tyrosine, which is neutral and polar, with histidine, which is basic and polar, at codon 219 of the NOTCH1 protein (p.Tyr219His). This variant is not present in population databases (gnomAD no frequency). This variant has not been reported in the literature in individuals affected with NOTCH1-related conditions. Invitae Evidence Modeling of protein sequence and biophysical properties (such as structural, functional, and spatial information, amino acid conservation, physicochemical variation, residue mobility, and thermodynamic stability) indicates that this missense variant is not expected to disrupt NOTCH1 protein function with a negative predictive value of 95%. In summary, the available evidence is currently insufficient to determine the role of this variant in disease. Therefore, it has been classified as a Variant of Uncertain Significance.

GeneDx
Classification: Uncertain significance. Last evaluated: 2024-05-10. Review status: criteria provided, single submitter. Criteria: GeneDx Variant Classification Process June 2021. Collection method: clinical testing. Allele origin: germline. Affected: yes.
Comment: Not observed at significant frequency in large population cohorts (gnomAD); In silico analysis supports that this missense variant has a deleterious effect on protein structure/function; Has not been previously published as pathogenic or benign to our knowledge

Blueprint Genetics
Classification: Uncertain significance. Last evaluated: 2021-09-21. Review status: criteria provided, single submitter. Criteria: ACMG Guidelines, 2015. Collection method: clinical testing. Allele origin: germline.

NM_017617.5(NOTCH1):c.655T>C (p.Tyr219His)

Gene: NOTCH1 (notch receptor 1; minus strand). Cytogenetic location: 9q34.3.
Variant type: single nucleotide variant.
Coding change: c.655T>C on transcript NM_017617.5 (MANE Select); coding-DNA position 655, T replaced by C.
Protein change: p.Tyr219His; replaces tyrosine 219 with histidine.
Molecular consequence: missense variant.
Genome position (GRCh38, 1-based): chr9:136,522,937, A>G on the plus strand (T>C on the coding strand, the complement: NOTCH1 is on the minus strand). VCF-style: chr9-136522937-A-G. GRCh37 (hg19) VCF-style: chr9-139417389-A-G.
Other names: short protein forms Y219H.
Identifiers: ClinVar variation 3375715 (VCV003375715.4).